The following is an entry in ClinVar:

NM_004380.3(CREBBP):c.2114-4A>C

Gene: CREBBP (CREB binding lysine acetyltransferase; minus strand). Cytogenetic location: 16p13.3.
Variant type: single nucleotide variant.
Coding change: c.2114-4A>C on transcript NM_004380.3 (MANE Select); 4 bases into the intron before coding-DNA position 2114, A replaced by C.
Molecular consequence: intron variant.
Genome position (GRCh38, 1-based): chr16:3,777,661, T>G on the plus strand (A>C on the coding strand, the complement: CREBBP is on the minus strand). VCF-style: chr16-3777661-T-G. GRCh37 (hg19) VCF-style: chr16-3827662-T-G.
Other names: c.2000-4A>C (NM_001079846.1).
Identifiers: ClinVar variation 5001222 (VCV005001222.1).

ClinVar aggregate classification (germline): Likely benign (1 of 4 stars; one submission).

Conditions:
CREBBP-related disorder. Also called: CREBBP-related disorders; CREBBP-related condition.

Submission:

PreventionGenetics, part of Exact Sciences
Classification: Likely benign for CREBBP-related condition. Last evaluated: 2024-11-18. Review status: criteria provided, single submitter. Criteria: ACMG Guidelines, 2015. Collection method: clinical testing. Allele origin: germline.
Comment: This variant is classified as likely benign based on ACMG/AMP sequence variant interpretation guidelines (Richards et al. 2015 PMID: 25741868, with internal and published modifications).